The following is an entry in ClinVar:

NM_004168.4(SDHA):c.1428G>T (p.Arg476Ser)

Gene: SDHA (succinate dehydrogenase complex flavoprotein subunit A; plus strand). Cytogenetic location: 5p15.33.
Variant type: single nucleotide variant.
Coding change: c.1428G>T on transcript NM_004168.4 (MANE Select); coding-DNA position 1428, G replaced by T.
Protein change: p.Arg476Ser; replaces arginine 476 with serine.
Molecular consequence: missense variant.
Genome position (GRCh38, 1-based): chr5:236,595, G>T. VCF-style: chr5-236595-G-T. GRCh37 (hg19) VCF-style: chr5-236710-G-T.
Other names: c.1428G>T, p.Arg476Ser (NM_001330758.2); c.1284G>T, p.Arg428Ser (NM_001294332.2); short protein forms R476S, R428S.
Identifiers: ClinVar variation 472332 (VCV000472332.15), dbSNP rs377415114, ClinGen allele CA3173223.

ClinVar aggregate classification (germline): Uncertain significance. Review status: criteria provided, multiple submitters, no conflicts (2 of 4 stars). 3 submissions from 3 submitters: Uncertain significance (3). Last evaluated 2025-01-19.

Conditions:
Hereditary cancer-predisposing syndrome. Also called: Neoplastic Syndromes, Hereditary; Hereditary Cancer Syndrome; Hereditary neoplastic syndrome; Tumor predisposition. Identifiers: Orphanet 140162, MedGen C0027672, MeSH D009386, MONDO:0015356.
Mitochondrial complex II deficiency, nuclear type 1. Also called: SUCCINATE CoQ REDUCTASE DEFICIENCY. Identifiers: Orphanet 3208, MedGen C5700310, MONDO:0100294, OMIM 252011.
Pheochromocytoma/paraganglioma syndrome 5. Also called: Paragangliomas 5; SDHA-Related Hereditary Paraganglioma-Pheochromocytoma Syndrome. Identifiers: Orphanet 29072, MedGen C3279992, MONDO:0013602, OMIM 614165.

gnomAD v4.1: 9 of 1,613,910 alleles (0.00056%); highest among the groups gnomAD compares: Admixed American, 0.0033%; no homozygotes.

Submissions (3):

Labcorp Genetics (formerly Invitae), Labcorp
Classification: Uncertain significance for Pheochromocytoma/paraganglioma syndrome 5; Mitochondrial complex II deficiency, nuclear type 1. Last evaluated: 2025-01-19. Review status: criteria provided, single submitter. Criteria: Invitae Variant Classification Sherloc (09022015). Collection method: clinical testing. Allele origin: germline.
Comment: This sequence change replaces arginine, which is basic and polar, with serine, which is neutral and polar, at codon 476 of the SDHA protein (p.Arg476Ser). This variant is present in population databases (rs377415114, gnomAD 0.003%). This variant has not been reported in the literature in individuals affected with SDHA-related conditions. ClinVar contains an entry for this variant (Variation ID: 472332). Invitae Evidence Modeling of protein sequence and biophysical properties (such as structural, functional, and spatial information, amino acid conservation, physicochemical variation, residue mobility, and thermodynamic stability) indicates that this missense variant is not expected to disrupt SDHA protein function with a negative predictive value of 95%. In summary, the available evidence is currently insufficient to determine the role of this variant in disease. Therefore, it has been classified as a Variant of Uncertain Significance.

GeneDx
Classification: Uncertain significance. Last evaluated: 2024-08-06. Review status: criteria provided, single submitter. Criteria: GeneDx Variant Classification Process June 2021. Collection method: clinical testing. Allele origin: germline. Affected: yes.
Comment: Not observed at significant frequency in large population cohorts (gnomAD); In silico analysis indicates that this missense variant does not alter protein structure/function; Has not been previously published as pathogenic or benign to our knowledge

Ambry Genetics
Classification: Uncertain significance for Hereditary cancer-predisposing syndrome. Last evaluated: 2024-04-24. Review status: criteria provided, single submitter. Criteria: Ambry Variant Classification Scheme 2023. Collection method: clinical testing. Allele origin: germline.
Comment: The p.R476S variant (also known as c.1428G>T), located in coding exon 10 of the SDHA gene, results from a G to T substitution at nucleotide position 1428. The arginine at codon 476 is replaced by serine, an amino acid with dissimilar properties. This amino acid position is poorly conserved in available vertebrate species. In addition, this alteration is predicted to be tolerated by in silico analysis. Based on the available evidence, the clinical significance of this variant remains unclear.